The following is an entry in ClinVar:

ClinVar aggregate classification (germline): Uncertain significance (1 of 4 stars; one submission).

gnomAD v4.1: 2 of 1,613,190 alleles (0.00012%); highest among the groups gnomAD compares: Non-Finnish European, 0.000085%; no homozygotes.

Submission:

Labcorp Genetics (formerly Invitae), Labcorp
Classification: Uncertain significance. Last evaluated: 2025-01-08. Review status: criteria provided, single submitter. Criteria: Invitae Variant Classification Sherloc (09022015). Collection method: clinical testing. Allele origin: germline.
Comment: This sequence change replaces leucine, which is neutral and non-polar, with phenylalanine, which is neutral and non-polar, at codon 333 of the KIF23 protein (p.Leu333Phe). This variant is not present in population databases (gnomAD no frequency). This variant has not been reported in the literature in individuals affected with KIF23-related conditions. Invitae Evidence Modeling of protein sequence and biophysical properties (such as structural, functional, and spatial information, amino acid conservation, physicochemical variation, residue mobility, and thermodynamic stability) has been performed for this missense variant. However, the output from this modeling did not meet the statistical confidence thresholds required to predict the impact of this variant on KIF23 protein function. Algorithms developed to predict the effect of sequence changes on RNA splicing suggest that this variant may create or strengthen a splice site. In summary, the available evidence is currently insufficient to determine the role of this variant in disease. Therefore, it has been classified as a Variant of Uncertain Significance.

NM_001367805.3(KIF23):c.1041G>T (p.Leu347Phe)

Gene: KIF23 (kinesin family member 23; plus strand). Cytogenetic location: 15q23.
Variant type: single nucleotide variant.
Coding change: c.1041G>T on transcript NM_001367805.3 (MANE Select); coding-DNA position 1041, G replaced by T.
Protein change: p.Leu347Phe; replaces leucine 347 with phenylalanine.
Molecular consequence: missense variant. On other transcripts: non-coding transcript variant (2).
Genome position (GRCh38, 1-based): chr15:69,429,140, G>T. VCF-style: chr15-69429140-G-T. GRCh37 (hg19) VCF-style: chr15-69721479-G-T.
Other names: c.999G>T, p.Leu333Phe (NM_004856.7, NM_138555.4, NM_001367804.2); c.669G>T, p.Leu223Phe (NM_001281301.2); short protein forms L223F, L333F, L347F.
Identifiers: ClinVar variation 3721464 (VCV003721464.2).